The following is an entry in ClinVar:

ClinVar aggregate classification (germline): Uncertain significance (1 of 4 stars; one submission).

Submission:

CeGaT Center for Human Genetics Tuebingen
Classification: Uncertain significance. Last evaluated: 2026-02-01. Review status: criteria provided, single submitter. Criteria: CeGaT Center For Human Genetics Tuebingen Variant Classification Criteria Version 2. Collection method: clinical testing. Allele origin: germline. Affected: yes. Observed: 1 variant allele.
Comment: OFD1: PM2

NM_003611.3(OFD1):c.2396G>C (p.Arg799Pro)

Gene: OFD1 (OFD1 centriole and centriolar satellite protein; plus strand). Cytogenetic location: Xp22.2.
Variant type: single nucleotide variant.
Coding change: c.2396G>C on transcript NM_003611.3 (MANE Select); coding-DNA position 2396, G replaced by C.
Protein change: p.Arg799Pro; replaces arginine 799 with proline.
Molecular consequence: missense variant.
Genome position (GRCh38, 1-based): chrX:13,762,352, G>C. VCF-style: chrX-13762352-G-C. GRCh37 (hg19) VCF-style: chrX-13780471-G-C.
Other names: c.2276G>C, p.Arg759Pro (NM_001330209.2, NM_001440948.1); c.1976G>C, p.Arg659Pro (NM_001330210.2); c.2396G>C, p.Arg799Pro (NM_001440947.1); short protein forms R659P, R759P, R799P.
Identifiers: ClinVar variation 4823517 (VCV004823517.4).
Genomic context (GRCh38, chrX:13,762,352, plus strand): 5'-CTCTTTGGTTTTCCATTATTGAAACTTCACGAGTTTTATCCTTCCAATCTAGTCTTTATC[G>C]AAGACAAACTGAACTTCAAGACAAAAGTGAATTTTCAGATGTGGACAAGCTAGCTTTTAA-3'
Protein context (NP_003602.1, residues 789-809): SPPEQKVGLY[Arg799Pro]RQTELQDKSE